The following is an entry in ClinVar:

NM_015205.3(ATP11A):c.140A>C (p.Asp47Ala)

Gene: ATP11A (ATPase phospholipid transporting 11A; plus strand). Cytogenetic location: 13q34.
Variant type: single nucleotide variant.
Coding change: c.140A>C on transcript NM_015205.3 (MANE Select); coding-DNA position 140, A replaced by C.
Protein change: p.Asp47Ala; replaces aspartic acid 47 with alanine.
Molecular consequence: missense variant.
Genome position (GRCh38, 1-based): chr13:112,785,235, A>C. VCF-style: chr13-112785235-A-C. GRCh37 (hg19) VCF-style: chr13-113439549-A-C.
Other names: c.140A>C (NM_032189.3); c.140A>C, p.Asp47Ala (NM_001405661.1, NM_001405662.1, NM_001405663.1 and 1 more transcripts); short protein forms D47A.
Identifiers: ClinVar variation 4821379 (VCV004821379.5).

ClinVar aggregate classification (germline): Likely benign. Review status: criteria provided, multiple submitters, no conflicts (2 of 4 stars). 2 submissions from 2 submitters: Likely benign (2). Last evaluated 2026-09-03.

Conditions:
ATP11A-related disorder. Also called: ATP11A-related condition.

gnomAD v4.1: 653 of 1,548,746 alleles (0.042%); highest among the groups gnomAD compares: South Asian, 0.085%; 1 homozygote.

Submissions (2):

PreventionGenetics, part of Exact Sciences
Classification: Likely benign for ATP11A-related condition. Last evaluated: 2026-09-03. Review status: criteria provided, single submitter. Criteria: ACMG Guidelines, 2015. Collection method: clinical testing. Allele origin: germline.
Comment: This variant is classified as likely benign based on ACMG/AMP sequence variant interpretation guidelines (Richards et al. 2015 PMID: 25741868, with internal and published modifications).

CeGaT Center for Human Genetics Tuebingen
Classification: Likely benign. Last evaluated: 2026-09-01. Review status: criteria provided, single submitter. Criteria: CeGaT Center For Human Genetics Tuebingen Variant Classification Criteria Version 2. Collection method: clinical testing. Allele origin: germline. Affected: yes. Observed: 2 variant alleles.
Comment: ATP11A: BS2